The following is an entry in ClinVar:

ClinVar aggregate classification (germline): Uncertain significance (1 of 4 stars; one submission).

Conditions:
Galactosylceramide beta-galactosidase deficiency. Also called: Krabbe Disease; GALACTOCEREBROSIDASE DEFICIENCY; GALC DEFICIENCY; GLOBOID CELL LEUKOENCEPHALOPATHY; Leukodystrophy, Globoid Cell. Identifiers: Orphanet 487, MedGen C0023521, MONDO:0009499, OMIM 245200.

Submission:

Labcorp Genetics (formerly Invitae), Labcorp
Classification: Uncertain significance for Galactosylceramide beta-galactosidase deficiency. Last evaluated: 2022-11-15. Review status: criteria provided, single submitter. Criteria: Invitae Variant Classification Sherloc (09022015). Collection method: clinical testing. Allele origin: germline.
Comment: In summary, the available evidence is currently insufficient to determine the role of this variant in disease. Therefore, it has been classified as a Variant of Uncertain Significance. Advanced modeling of protein sequence and biophysical properties (such as structural, functional, and spatial information, amino acid conservation, physicochemical variation, residue mobility, and thermodynamic stability) performed at Invitae indicates that this missense variant is expected to disrupt GALC protein function. This variant has not been reported in the literature in individuals affected with GALC-related conditions. This variant is not present in population databases (gnomAD no frequency). This sequence change replaces aspartic acid, which is acidic and polar, with histidine, which is basic and polar, at codon 227 of the GALC protein (p.Asp227His).

NM_000153.4(GALC):c.679G>C (p.Asp227His)

Gene: GALC (galactosylceramidase; minus strand). Cytogenetic location: 14q31.3.
Variant type: single nucleotide variant.
Coding change: c.679G>C on transcript NM_000153.4 (MANE Select); coding-DNA position 679, G replaced by C.
Protein change: p.Asp227His; replaces aspartic acid 227 with histidine.
Molecular consequence: missense variant. On other transcripts: non-coding transcript variant (1).
Genome position (GRCh38, 1-based): chr14:87,976,431, C>G on the plus strand (G>C on the coding strand, the complement: GALC is on the minus strand). VCF-style: chr14-87976431-C-G. GRCh37 (hg19) VCF-style: chr14-88442775-C-G.
Other names: c.610G>C, p.Asp204His (NM_001201401.2); c.601G>C, p.Asp201His (NM_001201402.2); c.511G>C, p.Asp171His (NM_001424071.1, NM_001424072.1, NM_001424073.1); c.331G>C, p.Asp111His (NM_001424074.1, NM_001424075.1); c.46G>C, p.Asp16His (NM_001424076.1, NM_001424077.1); short protein forms D111H, D171H, D16H, D204H, D201H, D227H.
Identifiers: ClinVar variation 2808132 (VCV002808132.3), dbSNP rs2503477029, ClinGen allele CA390749564.
Genomic context (GRCh38, chr14:87,976,431, plus strand): 5'-CCACCTTGAAGAGTTCGGCATCAAGGAGCATGGATGCAGAGATGGACTCCCAGAGATTAT[C>G]ACTTGCTATGATTTTCACTCGCTGGAGACCTTGATAATTCAGCATTTTTCTTAATATCTT-3'
Protein context (NP_000144.2, residues 217-237): GLQRVKIIAS[Asp227His]NLWESISASM